The following is an entry in ClinVar:

ClinVar aggregate classification (germline): Benign/Likely benign. Review status: criteria provided, multiple submitters, no conflicts (2 of 4 stars). 16 submissions from 16 submitters: Benign (13); Likely benign (1). 2 of the submissions do not count toward it. Last evaluated 2026-02-04.

Conditions:
Bloom syndrome (BLM). Also called: Bloom-Torre-Machacek syndrome. Identifiers: Orphanet 125, MedGen C0005859, MONDO:0008876, OMIM 210900.
Hereditary cancer-predisposing syndrome. Also called: Neoplastic Syndromes, Hereditary; Hereditary Cancer Syndrome; Tumor predisposition; Hereditary neoplastic syndrome. Identifiers: Orphanet 140162, MedGen C0027672, MeSH D009386, MONDO:0015356.

Allele frequency attached by ClinVar (database versions not stated): 1000 Genomes Project 0.13279; 1000 Genomes Project 30x 0.13695; TOPMed 0.14897; gnomAD exomes 0.15153 and 0.17050; gnomAD 0.15396 and 0.15526; ExAC 0.15568; ESP Exome Variant Server 0.16456.
gnomAD v4.1: 272,135 of 1,613,904 alleles (17%); highest among the groups gnomAD compares: Non-Finnish European, 18%; 23,851 homozygotes.

Submissions (16):

Labcorp Genetics (formerly Invitae), Labcorp
Classification: Benign for Bloom syndrome. Last evaluated: 2026-02-04. Review status: criteria provided, single submitter. Criteria: Invitae Variant Classification Sherloc (09022015). Collection method: clinical testing. Allele origin: germline.

ARUP Laboratories, Molecular Genetics and Genomics, ARUP Laboratories
Classification: Benign for Bloom syndrome. Last evaluated: 2025-07-28. Review status: criteria provided, single submitter. Criteria: ARUP Molecular Germline Variant Investigation Process 2024. Collection method: clinical testing. Allele origin: germline.

GeneKor MSA
Classification: Benign for Hereditary cancer-predisposing syndrome. Last evaluated: 2025-07-10. Review status: criteria provided, single submitter. Criteria: ACMG Guidelines, 2015. Collection method: clinical testing. Allele origin: germline.

Blueprint Genetics
Classification: Likely benign. Last evaluated: 2024-11-27. Review status: criteria provided, single submitter. Criteria: ACMG Guidelines, 2015. Collection method: clinical testing. Allele origin: germline.

KCCC/NGS Laboratory, Kuwait Cancer Control Center
Classification: Benign for Bloom syndrome. Last evaluated: 2023-07-07. Review status: criteria provided, single submitter. Criteria: ACMG Guidelines, 2015. Collection method: clinical testing. Allele origin: germline. Affected: yes.

Mayo Clinic Laboratories, Mayo Clinic
Classification: Benign. Last evaluated: 2022-09-06. Review status: criteria provided, single submitter. Criteria: ACMG Guidelines, 2015. Collection method: clinical testing. Allele origin: germline. Observed: 85 variant alleles.

Genome-Nilou Lab
Classification: Benign for Bloom syndrome. Last evaluated: 2021-07-01. Review status: criteria provided, single submitter. Criteria: ACMG Guidelines, 2015. Collection method: clinical testing. Allele origin: germline. Affected: no.

Illumina Laboratory Services, Illumina
Classification: Benign for Bloom syndrome. Last evaluated: 2018-01-13. Review status: criteria provided, single submitter. Criteria: ICSL Variant Classification Criteria 13 December 2019. Collection method: clinical testing. Allele origin: germline.
Comment: This variant was observed in the ICSL laboratory as part of a predisposition screen in an ostensibly healthy population. It had not been previously curated by ICSL or reported in the Human Gene Mutation Database (HGMD: prior to June 1st, 2018), and was therefore a candidate for classification through an automated scoring system. Utilizing variant allele frequency, disease prevalence and penetrance estimates, and inheritance mode, an automated score was calculated to assess if this variant is too frequent to cause the disease. Based on the score and internal cut-off values, a variant classified as benign is not then subjected to further curation. The score for this variant resulted in a classification of benign for this disease.

Ambry Genetics
Classification: Benign for Hereditary cancer-predisposing syndrome. Last evaluated: 2016-08-10. Review status: criteria provided, single submitter. Criteria: Ambry Variant Classification Scheme 2023. Collection method: clinical testing. Allele origin: germline.

Laboratory for Molecular Medicine, Mass General Brigham Personalized Medicine
Classification: Benign. Last evaluated: 2016-03-28. Review status: criteria provided, single submitter. Criteria: LMM Criteria. Collection method: clinical testing. Allele origin: germline.
Comment: Variant identified in a genome or exome case(s) and assessed due to predicted null impact of the variant or pathogenic assertions in the literature or databases. Disclaimer: This variant has not undergone full assessment. The following are preliminary notes: Frequency

GeneDx
Classification: Benign. Last evaluated: 2015-03-03. Review status: criteria provided, single submitter. Criteria: GeneDx Variant Classification Process June 2021. Collection method: clinical testing. Allele origin: germline. Affected: yes.

Eurofins Ntd Llc (ga)
Classification: Benign. Last evaluated: 2013-07-29. Review status: criteria provided, single submitter. Criteria: EGL Classification Definitions 2015. Collection method: clinical testing. Allele origin: germline. Observed: 4 variant alleles, 4 heterozygotes.

Breakthrough Genomics
Classification: Benign. Review status: criteria provided, single submitter. Criteria: ACMG Guidelines, 2015. Collection method: not provided. Allele origin: germline. Inheritance: Autosomal recessive inheritance. Affected: yes.

PreventionGenetics, part of Exact Sciences
Classification: Benign. Review status: criteria provided, single submitter. Criteria: ACMG Guidelines, 2015. Collection method: clinical testing. Allele origin: germline.

Natera, Inc.
Classification: Benign for Bloom syndrome. Last evaluated: 2017-03-28. Review status: no assertion criteria provided. Collection method: clinical testing. Allele origin: germline. Not counted in ClinVar's aggregate classification.

Genetic Services Laboratory, University of Chicago
Classification: Likely benign for AllHighlyPenetrant. Review status: no assertion criteria provided. Collection method: clinical testing. Allele origin: germline. Inheritance: Autosomal recessive inheritance. Not counted in ClinVar's aggregate classification.
Comment: Likely benign based on allele frequency in 1000 Genomes Project or ESP global frequency and its presence in a patient with a rare or unrelated disease phenotype. NOT Sanger confirmed.

NM_000057.4(BLM):c.3945C>T (p.Leu1315=)

Gene: BLM (BLM RecQ like helicase; plus strand). Cytogenetic location: 15q26.1.
Variant type: single nucleotide variant.
Coding change: c.3945C>T on transcript NM_000057.4 (MANE Select); coding-DNA position 3945, C replaced by T.
Protein change: p.Leu1315=; no amino-acid change (leucine 1315 retained).
Molecular consequence: synonymous variant.
Genome position (GRCh38, 1-based): chr15:90,811,275, C>T. VCF-style: chr15-90811275-C-T. GRCh37 (hg19) VCF-style: chr15-91354505-C-T.
Other names: p.Leu1315=; c.3945C>T, p.Leu1315= (NM_001287246.2); c.3552C>T, p.Leu1184= (NM_001287247.2); c.2820C>T, p.Leu940= (NM_001287248.2).
Identifiers: ClinVar variation 92396 (VCV000092396.47), dbSNP rs1063147, ClinGen allele CA145701.
Genomic context (GRCh38, chr15:90,811,275, plus strand): 5'-TTCCCCAGGGATAAGCCTGTCCAGCAGCAGAGGCCCCGGAAGAAGTGCCGCTGAGGAGCT[C>T]GACGAGGAAATACCCGTATCTTCCCACTACTTTGCAAGTAAAACCAGAAATGAAAGGAAG-3'
Protein context (NP_000048.1, residues 1305-1325): RGPGRSAAEE[Leu1315=]DEEIPVSSHY